The following is an entry in ClinVar:

ClinVar aggregate classification (germline): Likely benign (1 of 4 stars; one submission).

Submission:

CeGaT Center for Human Genetics Tuebingen
Classification: Likely benign. Last evaluated: 2026-06-01. Review status: criteria provided, single submitter. Criteria: CeGaT Center For Human Genetics Tuebingen Variant Classification Criteria Version 2. Collection method: clinical testing. Allele origin: germline. Affected: yes. Observed: 1 variant allele.
Comment: ZFPM2: PM2:Supporting, BP4, BP7

NM_012082.4(ZFPM2):c.1782T>G (p.Ala594=)

Genes: ZFPM2 (zinc finger protein, FOG family member 2; plus strand), ZFPM2-AS1 (ZFPM2 antisense RNA 1; minus strand). Cytogenetic location: 8q23.1.
Variant type: single nucleotide variant.
Coding change: c.1782T>G on transcript NM_012082.4 (MANE Select); coding-DNA position 1782, T replaced by G.
Protein change: p.Ala594=; no amino-acid change (alanine 594 retained).
Molecular consequence: synonymous variant.
Genome position (GRCh38, 1-based): chr8:105,801,864, T>G. VCF-style: chr8-105801864-T-G. GRCh37 (hg19) VCF-style: chr8-106814092-T-G.
Other names: c.1623T>G, p.Ala541= (NM_001362836.2); c.1386T>G, p.Ala462= (NM_001362837.2).
Identifiers: ClinVar variation 4875332 (VCV004875332.2).
Genomic context (GRCh38, chr8:105,801,864, plus strand): 5'-ATGGCAGCAGATGGCTAAGTCCCCAGAGTTCCCTAGTGTGTCAGAAAAGATGCCTGAAGC[T>G]TTGAGTCCCAACACTGGCCAAACCTCCATAAACCTTCTCAACCCAGCTGCTCATTCTGCT-3'
Protein context (NP_036214.2, residues 584-604): FPSVSEKMPE[Ala594=]LSPNTGQTSI